The following is an entry in ClinVar:

NM_017841.4(SDHAF2):c.291G>T (p.Met97Ile)

Gene: SDHAF2 (succinate dehydrogenase complex assembly factor 2; plus strand). Cytogenetic location: 11q12.2.
Variant type: single nucleotide variant.
Coding change: c.291G>T on transcript NM_017841.4 (MANE Select); coding-DNA position 291, G replaced by T.
Protein change: p.Met97Ile; replaces methionine 97 with isoleucine.
Molecular consequence: missense variant.
Genome position (GRCh38, 1-based): chr11:61,438,034, G>T. VCF-style: chr11-61438034-G-T. GRCh37 (hg19) VCF-style: chr11-61205506-G-T.
Other names: short protein forms M97I.
Identifiers: ClinVar variation 3644693 (VCV003644693.2).

ClinVar aggregate classification (germline): Uncertain significance (1 of 4 stars; one submission).

Conditions:
Hereditary pheochromocytoma and paraganglioma. Also called: Hereditary paragangliomas and pheochromocytomas; Hereditary Paraganglioma-Pheochromocytoma Syndromes; Hereditary pheochromocytoma-paraganglioma. Identifiers: Orphanet 29072, MedGen C4274332, MONDO:0017366.

Submission:

Labcorp Genetics (formerly Invitae), Labcorp
Classification: Uncertain significance for Hereditary pheochromocytoma and paraganglioma. Last evaluated: 2024-03-06. Review status: criteria provided, single submitter. Criteria: Invitae Variant Classification Sherloc (09022015). Collection method: clinical testing. Allele origin: germline.
Comment: This sequence change replaces methionine, which is neutral and non-polar, with isoleucine, which is neutral and non-polar, at codon 97 of the SDHAF2 protein (p.Met97Ile). This variant is not present in population databases (gnomAD no frequency). This variant has not been reported in the literature in individuals affected with SDHAF2-related conditions. An algorithm developed to predict the effect of missense changes on protein structure and function (PolyPhen-2) suggests that this variant is likely to be disruptive. In summary, the available evidence is currently insufficient to determine the role of this variant in disease. Therefore, it has been classified as a Variant of Uncertain Significance.